The following is an entry in ClinVar:

ClinVar aggregate classification (germline): Uncertain significance. Review status: criteria provided, multiple submitters, no conflicts (2 of 4 stars). 3 submissions from 3 submitters: Uncertain significance (3). Last evaluated 2025-09-13.

Conditions:
Hereditary nonpolyposis colorectal neoplasms. Identifiers: MedGen C0009405, MeSH D003123.
Hereditary cancer-predisposing syndrome. Also called: Neoplastic Syndromes, Hereditary; Tumor predisposition; Hereditary Cancer Syndrome; Hereditary neoplastic syndrome. Identifiers: Orphanet 140162, MedGen C0027672, MeSH D009386, MONDO:0015356.

Allele frequency attached by ClinVar (database versions not stated): gnomAD exomes below 0.00001.

Submissions (3):

Ambry Genetics
Classification: Uncertain significance for Hereditary cancer-predisposing syndrome. Last evaluated: 2025-09-13. Review status: criteria provided, single submitter. Criteria: Ambry Variant Classification Scheme 2023. Collection method: clinical testing. Allele origin: germline.
Comment: The p.D55V variant (also known as c.164A>T) is located in coding exon 3 of the PMS2 gene. The aspartic acid at codon 55 is replaced by valine, an amino acid with highly dissimilar properties. This change occurs in the first base pair of coding exon 3. In silico splice site analysis predicts that this alteration will not have any significant effect on splicing. RNA studies have demonstrated that this alteration does not result in abnormal splicing in the set of samples tested (Ambry internal data). This amino acid position is well conserved in available vertebrate species. In addition, the in silico prediction for the missense alteration is inconclusive. Since supporting evidence is limited at this time, the clinical significance of this alteration remains unclear.

Labcorp Genetics (formerly Invitae), Labcorp
Classification: Uncertain significance for Hereditary nonpolyposis colorectal neoplasms. Last evaluated: 2024-09-08. Review status: criteria provided, single submitter. Criteria: Invitae Variant Classification Sherloc (09022015). Collection method: clinical testing. Allele origin: germline.
Comment: This sequence change replaces aspartic acid, which is acidic and polar, with valine, which is neutral and non-polar, at codon 55 of the PMS2 protein (p.Asp55Val). This variant is present in population databases (rs587781846, gnomAD 0.0009%). This variant has not been reported in the literature in individuals affected with PMS2-related conditions. ClinVar contains an entry for this variant (Variation ID: 141568). An algorithm developed to predict the effect of missense changes on protein structure and function (PolyPhen-2) suggests that this variant is likely to be disruptive. In summary, the available evidence is currently insufficient to determine the role of this variant in disease. Therefore, it has been classified as a Variant of Uncertain Significance.

Color Diagnostics, LLC DBA Color Health
Classification: Uncertain significance for Hereditary cancer-predisposing syndrome. Last evaluated: 2019-01-16. Review status: criteria provided, single submitter. Criteria: ACMG Guidelines, 2015. Collection method: clinical testing. Allele origin: germline.

NM_000535.7(PMS2):c.164A>T (p.Asp55Val)

Gene: PMS2 (PMS1 homolog 2, mismatch repair system component; minus strand). Cytogenetic location: 7p22.1.
Variant type: single nucleotide variant.
Coding change: c.164A>T on transcript NM_000535.7 (MANE Select); coding-DNA position 164, A replaced by T.
Protein change: p.Asp55Val; replaces aspartic acid 55 with valine.
Molecular consequence: missense variant. On other transcripts: 5 prime UTR variant (11), non-coding transcript variant (1).
Genome position (GRCh38, 1-based): chr7:6,004,058, T>A on the plus strand (A>T on the coding strand, the complement: PMS2 is on the minus strand). VCF-style: chr7-6004058-T-A. GRCh37 (hg19) VCF-style: chr7-6043689-T-A.
Other names: c.-242A>T (NM_001322003.2, NM_001322004.2, NM_001322005.2 and 3 more transcripts); c.164A>T, p.Asp55Val (NM_001322006.2, NM_001322014.2); c.-52A>T (NM_001322007.2, NM_001322008.2); c.-721A>T (NM_001322011.2, NM_001322012.2); c.-321A>T (NM_001322015.2); short protein forms D55V.
Identifiers: ClinVar variation 141568 (VCV000141568.11), dbSNP rs587781846, ClinGen allele CA009987.